The following is an entry in ClinVar:

ClinVar aggregate classification (germline): Pathogenic/Likely pathogenic. Review status: criteria provided, multiple submitters, no conflicts (2 of 4 stars). 4 submissions from 4 submitters: Pathogenic (1); Likely pathogenic (2). 1 of the submissions does not count toward it. Last evaluated 2025-06-29.

Conditions:
SOD1-related disorder. Also called: SOD1-related condition.
Amyotrophic lateral sclerosis type 1 (ALS1). Also called: AMYOTROPHIC LATERAL SCLEROSIS 1, FAMILIAL. Identifiers: Orphanet 803, MedGen C1862939, MONDO:0007103, OMIM 105400.
Spastic tetraplegia and axial hypotonia, progressive. Also called: SOD1 DEFICIENCY, AUTOSOMAL RECESSIVE. Identifiers: MedGen C5231422, MONDO:0032828, OMIM 618598.

Allele frequency attached by ClinVar (database versions not stated): gnomAD exomes below 0.00001.

Submissions (4):

Labcorp Genetics (formerly Invitae), Labcorp
Classification: Pathogenic for Amyotrophic lateral sclerosis type 1. Last evaluated: 2025-06-29. Review status: criteria provided, single submitter. Criteria: Invitae Variant Classification Sherloc (09022015). Collection method: clinical testing. Allele origin: germline.
Comment: This sequence change replaces histidine, which is basic and polar, with arginine, which is basic and polar, at codon 81 of the SOD1 protein (p.His81Arg). This variant is present in population databases (rs121912458, gnomAD 0.0009%). This missense change has been observed in individual(s) with amyotrophic lateral sclerosis (PMID: 12402272). In at least one individual the variant was observed to be de novo. This variant is also known as His80Arg. ClinVar contains an entry for this variant (Variation ID: 14782). An algorithm developed to predict the effect of missense changes on protein structure and function (PolyPhen-2) suggests that this variant is likely to be disruptive. Experimental studies have shown that this missense change affects SOD1 function (PMID: 16945901, 19483195, 20515040, 23280792). For these reasons, this variant has been classified as Pathogenic.

Blueprint Genetics
Classification: Likely pathogenic for SOD1-related disorders. Last evaluated: 2024-06-20. Review status: criteria provided, single submitter. Criteria: ACMG Guidelines, 2015. Collection method: clinical testing. Allele origin: germline. Affected: yes. Observed: 1 variant allele.

Juno Genomics, Hangzhou Juno Genomics, Inc
Classification: Likely pathogenic for Amyotrophic lateral sclerosis type 1; Spastic tetraplegia and axial hypotonia, progressive. Review status: criteria provided, single submitter. Criteria: ACMG Guidelines, 2015. Collection method: clinical testing. Allele origin: germline.
Comment: Absent from controls (or at extremely low frequency if recessive) in Genome Aggregation Database.;Well-established in vitro or in vivo functional studies supportive of a damaging effect on the gene or gene product.;The prevalence of the variant in affected individuals is significantly increased compared to the prevalence in controls.;Assumed de novo, but without confirmation of paternity and maternity.

OMIM
Classification: Pathogenic for AMYOTROPHIC LATERAL SCLEROSIS 1. Last evaluated: 2002-11-01. Review status: no assertion criteria provided. Collection method: literature only. Allele origin: germline. Not counted in ClinVar's aggregate classification.

Literature cited by the submitters: PubMed 12402272 (cited by Labcorp Genetics (formerly Invitae), Labcorp and OMIM); PubMed 16945901 (cited by Labcorp Genetics (formerly Invitae), Labcorp); PubMed 19483195 (cited by Labcorp Genetics (formerly Invitae), Labcorp); PubMed 20515040 (cited by Labcorp Genetics (formerly Invitae), Labcorp); PubMed 23280792 (cited by Labcorp Genetics (formerly Invitae), Labcorp).

NM_000454.5(SOD1):c.242A>G (p.His81Arg)

Gene: SOD1 (superoxide dismutase 1; plus strand). Cytogenetic location: 21q22.11.
Variant type: single nucleotide variant.
Coding change: c.242A>G on transcript NM_000454.5 (MANE Select); coding-DNA position 242, A replaced by G.
Protein change: p.His81Arg; replaces histidine 81 with arginine.
Molecular consequence: missense variant.
Genome position (GRCh38, 1-based): chr21:31,667,260, A>G. VCF-style: chr21-31667260-A-G. GRCh37 (hg19) VCF-style: chr21-33039573-A-G.
Other names: H80R; short protein forms H81R.
Identifiers: ClinVar variation 14782 (VCV000014782.12), dbSNP rs121912458, ClinGen allele CA257364.